The following is an entry in ClinVar:

NM_000179.3(MSH6):c.924del (p.Ser309fs)

Gene: MSH6 (mutS homolog 6; plus strand). Cytogenetic location: 2p16.3.
Variant type: Deletion.
Coding change: c.924del on transcript NM_000179.3 (MANE Select); coding-DNA position 924, one base deleted (C; older notation c.924delC).
Protein change: p.Ser309fs; shifts the reading frame from serine 309.
Molecular consequence: frameshift variant. On other transcripts: non-coding transcript variant (4), intron variant (1).
Genome position (GRCh38, 1-based): chr2:47,798,907, C deleted. VCF-style (leftmost placement, unchanged base first): chr2-47798906-GC-G. GRCh37 (hg19) VCF-style: chr2-48026045-GC-G.
Other names: c.399del, p.Ser134fs (NM_001406807.1, NM_001406799.1, NM_001406806.1); c.924del, p.Ser309fs (NM_001406808.1, NM_001406809.1, NM_001406817.1 and 4 more transcripts); c.18del, p.Ser7fs (NM_001406811.1, NM_001406812.1, NM_001406814.1 and 6 more transcripts); c.930del, p.Ser311fs (NM_001406813.1); c.627del, p.Ser210fs (NM_001406818.1, NM_001406819.1, NM_001406820.1 and 10 more transcripts); c.534del, p.Ser179fs (NM_001281492.2); c.1020del, p.Ser341fs (NM_001406795.1, NM_001406802.1); c.846del, p.Ser283fs (NM_001406804.1); and 2 more; short protein forms S134fs, S179fs, S210fs, S253fs, S283fs, S309fs, S311fs, S341fs.
Identifiers: ClinVar variation 4860394 (VCV004860394.1).

ClinVar aggregate classification (germline): Pathogenic (1 of 4 stars; one submission).

Conditions:
Hereditary cancer-predisposing syndrome. Also called: Neoplastic Syndromes, Hereditary; Tumor predisposition; Hereditary Cancer Syndrome; Hereditary neoplastic syndrome. Identifiers: Orphanet 140162, MedGen C0027672, MeSH D009386, MONDO:0015356.

Submission:

Ambry Genetics
Classification: Pathogenic for Hereditary cancer-predisposing syndrome. Last evaluated: 2026-04-15. Review status: criteria provided, single submitter. Criteria: Ambry Variant Classification Scheme 2023. Collection method: clinical testing. Allele origin: germline.
Comment: The c.924delC pathogenic mutation, located in coding exon 4 of the MSH6 gene, results from a deletion of one nucleotide at nucleotide position 924, causing a translational frameshift with a predicted alternate stop codon (p.S309Lfs*29). This variant is considered to be rare based on population cohorts in the Genome Aggregation Database (gnomAD). This alteration is expected to result in loss of function by premature protein truncation or nonsense-mediated mRNA decay. As such, this alteration is interpreted as a disease-causing mutation.